The following is an entry in ClinVar:

NM_002292.4(LAMB2):c.1406G>A (p.Arg469Gln)

Gene: LAMB2 (laminin subunit beta 2; minus strand). Cytogenetic location: 3p21.31.
Variant type: single nucleotide variant.
Coding change: c.1406G>A on transcript NM_002292.4 (MANE Select); coding-DNA position 1406, G replaced by A.
Protein change: p.Arg469Gln; replaces arginine 469 with glutamine.
Molecular consequence: missense variant.
Genome position (GRCh38, 1-based): chr3:49,129,716, C>T on the plus strand (G>A on the coding strand, the complement: LAMB2 is on the minus strand). VCF-style: chr3-49129716-C-T. GRCh37 (hg19) VCF-style: chr3-49167149-C-T.
Other names: short protein forms R469Q.
Identifiers: ClinVar variation 642849 (VCV000642849.6), dbSNP rs1166721867, ClinGen allele CA352737609.

ClinVar aggregate classification (germline): Uncertain significance (1 of 4 stars; one submission).

Conditions:
Pierson syndrome. Also called: MICROCORIA-CONGENITAL NEPHROTIC SYNDROME. Identifiers: Orphanet 2670, MedGen C1836876, MONDO:0012184, OMIM 609049.
LAMB2-related infantile-onset nephrotic syndrome. Also called: Nephrotic Syndrome, type 5; NEPHROTIC SYNDROME, TYPE 5, WITHOUT OCULAR ABNORMALITIES; NEPHROTIC SYNDROME, TYPE 5, WITH OCULAR ABNORMALITIES. Identifiers: Orphanet 306507, MedGen C3280113, MONDO:0013621, OMIM 614199.

Allele frequency attached by ClinVar (database versions not stated): gnomAD exomes 0.00002.
gnomAD v4.1: 26 of 1,613,538 alleles (0.0016%); highest among the groups gnomAD compares: East Asian, 0.058%; no homozygotes.

Submission:

Labcorp Genetics (formerly Invitae), Labcorp
Classification: Uncertain significance for LAMB2-related infantile-onset nephrotic syndrome; Pierson syndrome. Last evaluated: 2022-07-12. Review status: criteria provided, single submitter. Criteria: Invitae Variant Classification Sherloc (09022015). Collection method: clinical testing. Allele origin: germline.
Comment: This missense change has been observed in individual(s) with focal segmental glomerulosclerosis (FSGS) (PMID: 26467726). In summary, the available evidence is currently insufficient to determine the role of this variant in disease. Therefore, it has been classified as a Variant of Uncertain Significance. Experimental studies have shown that this missense change affects LAMB2 function (PMID: 33749661). Algorithms developed to predict the effect of missense changes on protein structure and function output the following: SIFT: "Deleterious"; PolyPhen-2: "Benign"; Align-GVGD: "Class C0". The glutamine amino acid residue is found in multiple mammalian species, which suggests that this missense change does not adversely affect protein function. ClinVar contains an entry for this variant (Variation ID: 642849). This variant is also known as c.1405+1G>A. This variant is not present in population databases (gnomAD no frequency). This sequence change replaces arginine, which is basic and polar, with glutamine, which is neutral and polar, at codon 469 of the LAMB2 protein (p.Arg469Gln).

Literature cited by the submitters: PubMed 26467726; PubMed 33749661.